The following is an entry in ClinVar:

ClinVar aggregate classification (germline): Benign (1 of 4 stars; one submission).

Conditions:
Familial cancer of breast. Also called: hereditary breast carcinoma; Hereditary breast cancer; BREAST CANCER, FAMILIAL. Identifiers: Orphanet 227535, MedGen C0346153, MONDO:0016419, OMIM 114480. Disease mechanism: loss of function.

Submission:

Myriad Genetics, Inc.
Classification: Benign for Familial cancer of breast. Last evaluated: 2024-07-24. Review status: criteria provided, single submitter. Criteria: Myriad Autosomal Dominant, Autosomal Recessive and X-Linked Classification Criteria (2023). Collection method: clinical testing. Allele origin: unknown.
Comment: This variant is considered benign. This variant is a silent/synonymous amino acid change and it is not expected to impact splicing.

NM_000465.4(BARD1):c.1119T>G (p.Gly373=)

Gene: BARD1 (BRCA1 associated RING domain 1; minus strand). Cytogenetic location: 2q35.
Variant type: single nucleotide variant.
Coding change: c.1119T>G on transcript NM_000465.4 (MANE Select); coding-DNA position 1119, T replaced by G.
Protein change: p.Gly373=; no amino-acid change (glycine 373 retained).
Molecular consequence: synonymous variant. On other transcripts: non-coding transcript variant (2), intron variant (3).
Genome position (GRCh38, 1-based): chr2:214,780,755, A>C on the plus strand (T>G on the coding strand, the complement: BARD1 is on the minus strand). VCF-style: chr2-214780755-A-C. GRCh37 (hg19) VCF-style: chr2-215645479-A-C.
Other names: c.1062T>G, p.Gly354= (NM_001282543.2); c.159-28200T>G (NM_001282548.2); c.215+16306T>G (NM_001282545.2); c.364+11542T>G (NM_001282549.2).
Identifiers: ClinVar variation 3378888 (VCV003378888.1).